The following is an entry in ClinVar:

ClinVar aggregate classification (germline): Uncertain significance. Review status: criteria provided, single submitter (1 of 4 stars). 2 submissions from 2 submitters: Uncertain significance (1). 1 of the submissions does not count toward it. Last evaluated 2022-06-29.

Conditions:
Mucopolysaccharidosis, MPS-III-B (MPS3B). Also called: MPS III B; MUCOPOLYSACCHARIDOSIS, TYPE IIIB; N-ACETYL-ALPHA-D-GLUCOSAMINIDASE DEFICIENCY; NAGLU DEFICIENCY; SANFILIPPO SYNDROME B; Mucopolysaccharidosis type IIIB (Sanfilippo B). Identifiers: Orphanet 79270, MedGen C0086648, MONDO:0009656, OMIM 252920.
Charcot-Marie-Tooth disease axonal type 2V. Also called: CHARCOT-MARIE-TOOTH NEUROPATHY, TYPE 2V; CHARCOT-MARIE-TOOTH DISEASE, AXONAL, AUTOSOMAL DOMINANT, TYPE 2V. Identifiers: Orphanet 447964, MedGen C5569050, MONDO:0014665, OMIM 616491.

Allele frequency attached by ClinVar (database versions not stated): gnomAD exomes below 0.00001.
gnomAD v4.1: 1 of 1,608,280 alleles (0.000062%); highest among the groups gnomAD compares: Non-Finnish European, 0.000085%; no homozygotes.

Submissions (2):

Labcorp Genetics (formerly Invitae), Labcorp
Classification: Uncertain significance for Charcot-Marie-Tooth disease axonal type 2V; Mucopolysaccharidosis, MPS-III-B. Last evaluated: 2022-06-29. Review status: criteria provided, single submitter. Criteria: Invitae Variant Classification Sherloc (09022015). Collection method: clinical testing. Allele origin: germline.
Comment: This sequence change results in a frameshift in the NAGLU gene (p.*744Trpext*1). While this is not anticipated to result in nonsense mediated decay, it is expected to disrupt the last amino acid(s) of the NAGLU protein and extend the protein by 1 additional amino acid residues. This variant is not present in population databases (gnomAD no frequency). This variant has not been reported in the literature in individuals affected with NAGLU-related conditions. ClinVar contains an entry for this variant (Variation ID: 556946). Algorithms developed to predict the effect of sequence changes on RNA splicing suggest that this variant may create or strengthen a splice site. In summary, the available evidence is currently insufficient to determine the role of this variant in disease. Therefore, it has been classified as a Variant of Uncertain Significance.

Counsyl
Classification: Uncertain significance for Mucopolysaccharidosis, MPS-III-B. Last evaluated: 2018-02-27. Review status: no assertion criteria provided. Collection method: clinical testing. Allele origin: unknown. Not counted in ClinVar's aggregate classification.

NM_000263.4(NAGLU):c.2232A>G (p.Ter744Trp)

Gene: NAGLU (N-acetyl-alpha-glucosaminidase; plus strand). Cytogenetic location: 17q21.2.
Variant type: single nucleotide variant.
Coding change: c.2232A>G on transcript NM_000263.4 (MANE Select); coding-DNA position 2232, A replaced by G.
Protein change: p.Ter744Trp.
Molecular consequence: stop lost.
Genome position (GRCh38, 1-based): chr17:42,544,238, A>G. VCF-style: chr17-42544238-A-G. GRCh37 (hg19) VCF-style: chr17-40696256-A-G.
Other names: *744W.
Identifiers: ClinVar variation 556946 (VCV000556946.4), dbSNP rs1555622606, ClinGen allele CA399606572.